The following is an entry in ClinVar:

ClinVar aggregate classification (germline): Conflicting classifications of pathogenicity. Review status: criteria provided, conflicting classifications (1 of 4 stars). 15 submissions from 15 submitters: Pathogenic (1); Likely pathogenic (3); Uncertain significance (10). 1 of the submissions does not count toward it. Last evaluated 2026-05-08.

Conditions:
ATP7B-related disorder. Also called: ATP7B-related condition.
Inborn genetic diseases. Identifiers: MedGen C0950123, MeSH D030342.
Wilson disease (WND). Also called: Wilson's disease. Identifiers: Orphanet 905, MedGen C0019202, MONDO:0010200, OMIM 277900. Disease mechanism: loss of function.

Allele frequency attached by ClinVar (database versions not stated): ESP Exome Variant Server 0.00008; gnomAD 0.00012; gnomAD exomes 0.00012 and 0.00014; ExAC 0.00016; TOPMed 0.00018.
gnomAD v4.1: 197 of 1,614,090 alleles (0.012%); highest among the groups gnomAD compares: Admixed American, 0.017%; no homozygotes.

Submissions (15):

Myriad Genetics, Inc.
Classification: Uncertain significance for Wilson disease. Last evaluated: 2026-05-08. Review status: criteria provided, single submitter. Criteria: Myriad Autosomal Dominant, Autosomal Recessive and X-Linked Classification Criteria (2023). Collection method: clinical testing. Allele origin: unknown.
Comment: NM_000053.3(ATP7B):c.347T>C(I116T) is undefined variant classified as a variant of uncertain significance in the context of Wilson disease. I116T has been observed in a case with relevant disease (PMID: 23518715). Relevant functional assessments of this variant are not available in the literature. I116T has been observed in referenced population frequency databases. In summary, there is insufficient evidence to classify NM_000053.3(ATP7B):c.347T>C(I116T) as pathogenic or benign. Please note: this variant was assessed in the context of healthy population screening.

Labcorp Genetics (formerly Invitae), Labcorp
Classification: Pathogenic for Wilson disease. Last evaluated: 2026-01-28. Review status: criteria provided, single submitter. Criteria: Invitae Variant Classification Sherloc (09022015). Collection method: clinical testing. Allele origin: germline.
Comment: This sequence change replaces isoleucine, which is neutral and non-polar, with threonine, which is neutral and polar, at codon 116 of the ATP7B protein (p.Ile116Thr). This variant is present in population databases (rs199773340, gnomAD 0.02%). This missense change has been observed in individual(s) with clinical features of Wilson disease (PMID: 23518715; internal data). In at least one individual the data is consistent with being in trans (on the opposite chromosome) from a pathogenic variant. ClinVar contains an entry for this variant (Variation ID: 431956). Invitae Evidence Modeling of protein sequence and biophysical properties (such as structural, functional, and spatial information, amino acid conservation, physicochemical variation, residue mobility, and thermodynamic stability) indicates that this missense variant is expected to disrupt ATP7B protein function with a positive predictive value of 95%. For these reasons, this variant has been classified as Pathogenic.

Women's Health and Genetics/Laboratory Corporation of America, LabCorp
Classification: Likely pathogenic for Wilson disease. Last evaluated: 2025-08-15. Review status: criteria provided, single submitter. Criteria: LabCorp Variant Classification Summary - May 2015. Collection method: clinical testing. Allele origin: germline.
Comment: Variant summary: ATP7B c.347T>C (p.Ile116Thr) results in a non-conservative amino acid change located in the Heavy metal-associated domain, HMA (IPR006121) of the encoded protein sequence. Algorithms developed to predict the effect of missense changes on protein structure and function all suggest that this variant is likely to be disruptive. The variant allele was found at a frequency of 0.00014 in 249454 control chromosomes. This frequency is not significantly higher than estimated for a pathogenic variant in ATP7B causing Wilson Disease (0.00014 vs 0.0054), allowing no conclusion about variant significance. c.347T>C has been reported as a compound heterozygous genotype in three individuals affected with Wilson Disease (example, Coffey_2013, Miko_2021, internal data).These data indicate that the variant may be associated with disease. To our knowledge, no experimental evidence demonstrating an impact on protein function has been reported. The following publications have been ascertained in the context of this evaluation (PMID: 23518715, 34405919). ClinVar contains an entry for this variant (Variation ID: 431956). Based on the evidence outlined above, the variant was classified as likely pathogenic.

Mayo Clinic Laboratories, Mayo Clinic
Classification: Uncertain significance. Last evaluated: 2025-07-21. Review status: criteria provided, single submitter. Criteria: ACMG Guidelines, 2015. Collection method: clinical testing. Allele origin: germline. Observed: 2 variant alleles.
Comment: BS3_moderate, PP3, PM2_supporting, PM3

Color Diagnostics, LLC DBA Color Health
Classification: Uncertain significance for Wilson disease. Last evaluated: 2025-06-19. Review status: criteria provided, single submitter. Criteria: ACMG Guidelines, 2015. Collection method: clinical testing. Allele origin: germline.
Comment: This missense variant replaces isoleucine with threonine at codon 116 of the ATP7B protein. Computational prediction suggests that this variant may have deleterious impact on protein structure and function. To our knowledge, functional studies have not been reported for this variant. This variant has been observed in two compound heterozygous individuals affected with autosomal recessive Wilson disease (PMID: 23518715, 39933775). This variant has been identified in 37/280852 chromosomes in the general population by the Genome Aggregation Database (gnomAD). The available evidence is insufficient to determine the role of this variant in disease conclusively. Therefore, this variant is classified as a Variant of Uncertain Significance.

PreventionGenetics, part of Exact Sciences
Classification: Uncertain significance for ATP7B-related condition. Last evaluated: 2025-05-20. Review status: criteria provided, single submitter. Criteria: ACMG Guidelines, 2015. Collection method: clinical testing. Allele origin: germline.
Comment: The ATP7B c.347T>C variant is predicted to result in the amino acid substitution p.Ile116Thr. This variant was reported, along with a frameshift variant, in an individual who underwent genetic testing for Wilson disease (supplementary file 12, Coffey et al. 2013. PubMed ID: 23518715). This variant is reported in 0.023% of alleles in individuals of Latino descent in gnomAD. At this time, the clinical significance of this variant is uncertain due to the absence of conclusive functional and genetic evidence.

Victorian Clinical Genetics Services, Murdoch Childrens Research Institute
Classification: Likely pathogenic for Wilson disease. Last evaluated: 2024-10-09. Review status: criteria provided, single submitter. Criteria: ACMG Guidelines, 2015. Collection method: clinical testing. Allele origin: germline. Inheritance: Autosomal recessive inheritance. Affected: yes.
Comment: Based on the classification scheme VCGS_Germline_v1.3.5, this variant is classified Likely pathogenic. Following criteria are met: 0102 - Loss of function is a known mechanism of disease in this gene and is associated with Wilson disease (MIM#277900). (I) 0106 - This gene is associated with autosomal recessive disease. (I) 0200 - Variant is predicted to result in a missense amino acid change from isoleucine to threonine. (I) 0251 - This variant is heterozygous. (I) 0304 - Variant is present in gnomAD (v4) <0.01 for a recessive condition (197 heterozygotes, 0 homozygotes). (SP) 0309 - An alternative amino acid change at the same position has been observed in gnomAD (v4) (2 heterozygotes, 0 homozygotes). (I) 0501 - Missense variant consistently predicted to be damaging by multiple in silico tools or highly conserved with a major amino acid change. (SP) 0600 - Variant is located in the annotated heavy-metal-associated domain (NCBI). (I) 0705 - No comparable missense variants have previous evidence for pathogenicity. (I) 0808 - Previous reports of pathogenicity for this variant are conflicting. This variant has previously been described in an individual with Wilson disease (PMID: 23518715) and has been classified multiple times as a VUS, and once as pathogenic, by clinical laboratories in ClinVar. (I) 0905 - No published segregation evidence has been identified for this variant. (I) 1007 - No published functional evidence has been identified for this variant. (I) 1201 - Heterozygous variant detected in trans with a second pathogenic heterozygous variant (NM_000053.3(ATP7B):c.1285+5G>T) in a recessive disease. (I) Legend: (SP) - Supporting pathogenic, (I) - Information, (SB) - Supporting benign

Fulgent Genetics
Classification: Likely pathogenic for Wilson disease. Last evaluated: 2024-05-09. Review status: criteria provided, single submitter. Criteria: ACMG Guidelines, 2015. Collection method: clinical testing. Allele origin: germline.

GeneDx
Classification: Uncertain significance. Last evaluated: 2024-04-11. Review status: criteria provided, single submitter. Criteria: GeneDx Variant Classification Process June 2021. Collection method: clinical testing. Allele origin: germline. Affected: yes.
Comment: Reported in an individual with Wilson disease who also harbored a frameshift variant in the ATP7B gene, although parental studies were not performed to determine the phase of these two variants (PMID: 23518715); In silico analysis supports that this missense variant has a deleterious effect on protein structure/function; This variant is associated with the following publications: (PMID: 34426522, 34405919, 23518715)

Baylor Genetics
Classification: Uncertain significance for Wilson disease. Last evaluated: 2022-05-29. Review status: criteria provided, single submitter. Criteria: ACMG Guidelines, 2015. Collection method: clinical testing. Allele origin: unknown.

Ambry Genetics
Classification: Uncertain significance for Inborn genetic diseases. Last evaluated: 2021-09-05. Review status: criteria provided, single submitter. Criteria: Ambry Variant Classification Scheme 2023. Collection method: clinical testing. Allele origin: germline.
Comment: Coffey, 2013 Based on insufficient or conflicting evidence, the clinical significance of this alteration remains unclear.

Genome-Nilou Lab
Classification: Uncertain significance for Wilson disease. Last evaluated: 2021-09-05. Review status: criteria provided, single submitter. Criteria: ACMG Guidelines, 2015. Collection method: clinical testing. Allele origin: germline. Affected: no.

Revvity Omics, Revvity
Classification: Uncertain significance for Wilson disease. Last evaluated: 2019-06-27. Review status: criteria provided, single submitter. Criteria: ACMG Guidelines, 2015. Collection method: clinical testing. Allele origin: germline.

ARUP Laboratories, Molecular Genetics and Genomics, ARUP Laboratories
Classification: Uncertain significance. Last evaluated: 2017-06-20. Review status: criteria provided, single submitter. Criteria: ARUP Molecular Germline Variant Investigation Process. Collection method: clinical testing. Allele origin: germline.
Comment: The ATP7B c.347T>C;p.Ile116Thr variant has been listed in the medical literature in at least one individual with a clinical diagnosis of Wilson disease and who also carried a frameshift variant (Coffey 2013). The variant is listed in the dbSNP variant database (rs199773340), in the Exome Variant Server with an allele frequency of 0.008 percent, in the Genome Aggregation Database with an allele frequency of 0.01335 percent, but not in the ClinVar database. The amino acid at this position is moderately conserved across species and computational algorithms (PolyPhen2, SIFT) predict this variant is deleterious. However, due to the limited information regarding this variant, its clinical significance is uncertain at this time. REFERENCES Coffey AJ et al. A genetic study of Wilson's disease in the United Kingdom. Brain. 2013 May;136(Pt 5):1476-87.

Natera, Inc.
Classification: Uncertain significance for Wilson disease. Last evaluated: 2020-09-16. Review status: no assertion criteria provided. Collection method: clinical testing. Allele origin: germline. Not counted in ClinVar's aggregate classification.

Literature cited by the submitters: PubMed 23518715 (cited by 7 submitters); PubMed 34405919 (cited by Women's Health and Genetics/Laboratory Corporation of America, LabCorp and Mayo Clinic Laboratories, Mayo Clinic); PubMed 39933775 (cited by Mayo Clinic Laboratories, Mayo Clinic and Color Diagnostics, LLC DBA Color Health); PubMed 40661833 (cited by Mayo Clinic Laboratories, Mayo Clinic); PubMed 28515472 (cited by Ambry Genetics).

NM_000053.4(ATP7B):c.347T>C (p.Ile116Thr)

Gene: ATP7B (ATPase copper transporting beta; minus strand). Cytogenetic location: 13q14.3.
Variant type: single nucleotide variant.
Coding change: c.347T>C on transcript NM_000053.4 (MANE Select); coding-DNA position 347, T replaced by C.
Protein change: p.Ile116Thr; replaces isoleucine 116 with threonine.
Molecular consequence: missense variant.
Genome position (GRCh38, 1-based): chr13:51,974,873, A>G on the plus strand (T>C on the coding strand, the complement: ATP7B is on the minus strand). VCF-style: chr13-51974873-A-G. GRCh37 (hg19) VCF-style: chr13-52549009-A-G.
Other names: c.347T>C, p.Ile116Thr (NM_001005918.3, NM_001243182.2, NM_001330578.2 and 1 more transcripts); short protein forms I116T.
Identifiers: ClinVar variation 431956 (VCV000431956.35), dbSNP rs199773340, ClinGen allele CA6989581.
Genomic context (GRCh38, chr13:51,974,873, plus strand): 5'-CTTGAGGGCCAGGAGGCTGCCTTTCCTTCTGCAATGCTGGCCTCGAAGCCCATGTCCCCA[A>G]TTTGATGGCAAACCTGTTGCAGGCACACAACCGATGGCACATATTTCACAGTGGCACTGC-3'
Protein context (NP_000044.2, residues 106-126): VVCLQQVCHQ[Ile116Thr]GDMGFEASIA